The following is an entry in ClinVar:

ClinVar aggregate classification (germline): Likely pathogenic (1 of 4 stars; one submission).

Submission:

GeneDx
Classification: Likely pathogenic. Last evaluated: 2018-11-08. Review status: criteria provided, single submitter. Criteria: GeneDx Variant Classification (06012015). Collection method: clinical testing. Allele origin: germline. Affected: yes.
Comment: Although the c.162delA likely pathogenic variant in the COL11A1 gene has not been reported to our knowledge, this variant causes a shift in reading frame starting at codon serine 55, changing it to a glutamine, and creating a premature stop codon at position 51 of the new reading frame, denoted p.Ser55GlnfsX51. This variant is expected to result in either an abnormal, truncated protein product or loss of protein from this allele through nonsense-mediated mRNA decay. Furthermore, the c.162delA variant has not been observed in large population cohorts (Lek et al., 2016).Loss of function (nonsense and frameshift) variants in the COL11A1 gene have been reported in association with autosomal dominant Stickler or Marshall syndromes (Acke et al., 2014); however, most variants reported to date in the COL11A1 gene in association with these disorders are missense or splice site variants (Stenson et al., 2014). Loss of function variants in the COL11A1 gene have also been reported in autosomal recessive fibrochondrogenesis, when homozygous or present in a compound heterozygous state with a second protein-altering variant (Tompson et al., 2010; Akawi et al., 2012; Richards et al., 2013). In several families, the parent heterozygous for the loss of function variant manifested milder features, such as hearing loss, not sufficient to establish a clinical diagnosis of Stickler syndrome (Tompson et al., 2010; Richards et al., 2013).

NM_001854.4(COL11A1):c.162del (p.Ser55fs)

Gene: COL11A1 (collagen type XI alpha 1 chain; minus strand). Cytogenetic location: 1p21.1.
Variant type: Deletion.
Coding change: c.162del on transcript NM_001854.4 (MANE Select); coding-DNA position 162, one base deleted (A; older notation c.162delA).
Protein change: p.Ser55fs; shifts the reading frame from serine 55.
Molecular consequence: frameshift variant. On other transcripts: non-coding transcript variant (1).
Genome position (GRCh38, 1-based): chr1:103,082,917, T deleted on the plus strand (A on the coding strand, the reverse complement: COL11A1 is on the minus strand). VCF-style (leftmost placement, unchanged base first): chr1-103082916-AT-A. GRCh37 (hg19) VCF-style: chr1-103548472-AT-A.
Other names: c.162del, p.Ser55fs (NM_001190709.2, NM_080629.3, NM_080630.4); short protein forms S55fs.
Identifiers: ClinVar variation 817893 (VCV000817893.1), dbSNP rs1571238944, ClinGen allele CA915941376.